The following is an entry in ClinVar:

NM_006648.4(WNK2):c.1775C>A (p.Pro592Gln)

Gene: WNK2 (WNK lysine deficient protein kinase 2; plus strand). Cytogenetic location: 9q22.31.
Variant type: single nucleotide variant.
Coding change: c.1775C>A on transcript NM_006648.4 (MANE Select); coding-DNA position 1775, C replaced by A.
Protein change: p.Pro592Gln; replaces proline 592 with glutamine.
Molecular consequence: missense variant.
Genome position (GRCh38, 1-based): chr9:93,247,775, C>A. VCF-style: chr9-93247775-C-A. GRCh37 (hg19) VCF-style: chr9-96010057-C-A.
Other names: c.1775C>A, p.Pro592Gln (NM_001282394.3); short protein forms P592Q.
Identifiers: ClinVar variation 3816757 (VCV003816757.1).

ClinVar aggregate classification (germline): Uncertain significance (1 of 4 stars; one submission).

Submission:

Ambry Genetics
Classification: Uncertain significance. Last evaluated: 2025-01-06. Review status: criteria provided, single submitter. Criteria: Ambry Variant Classification Scheme 2023. Collection method: clinical testing. Allele origin: germline.
Comment: The p.P592Q variant (also known as c.1775C>A), located in coding exon 7 of the WNK2 gene, results from a C to A substitution at nucleotide position 1775. The proline at codon 592 is replaced by glutamine, an amino acid with similar properties. This amino acid position is conserved. In addition, this alteration is predicted to be tolerated by in silico analysis. Based on the available evidence, the clinical significance of this variant remains unclear.